The following is an entry in ClinVar:

NM_032444.4(SLX4):c.5271G>T (p.Arg1757Ser)

Gene: SLX4 (SLX4 structure-specific endonuclease subunit; minus strand). Cytogenetic location: 16p13.3.
Variant type: single nucleotide variant.
Coding change: c.5271G>T on transcript NM_032444.4 (MANE Select); coding-DNA position 5271, G replaced by T.
Protein change: p.Arg1757Ser; replaces arginine 1757 with serine.
Molecular consequence: missense variant.
Genome position (GRCh38, 1-based): chr16:3,582,576, C>A on the plus strand (G>T on the coding strand, the complement: SLX4 is on the minus strand). VCF-style: chr16-3582576-C-A. GRCh37 (hg19) VCF-style: chr16-3632577-C-A.
Other names: short protein forms R1757S.
Identifiers: ClinVar variation 4738669 (VCV004738669.1).

ClinVar aggregate classification (germline): Uncertain significance (1 of 4 stars; one submission).

Conditions:
Fanconi anemia (FA). Also called: Fanconi's anemia. Identifiers: Orphanet 84, MedGen C0015625, MeSH D005199, MONDO:0019391.

Submission:

Labcorp Genetics (formerly Invitae), Labcorp
Classification: Uncertain significance for Fanconi anemia. Last evaluated: 2025-03-05. Review status: criteria provided, single submitter. Criteria: Invitae Variant Classification Sherloc (09022015). Collection method: clinical testing. Allele origin: germline.
Comment: This sequence change replaces arginine, which is basic and polar, with serine, which is neutral and polar, at codon 1757 of the SLX4 protein (p.Arg1757Ser). This variant is not present in population databases (gnomAD no frequency). This variant has not been reported in the literature in individuals affected with SLX4-related conditions. An algorithm developed to predict the effect of missense changes on protein structure and function (PolyPhen-2) suggests that this variant is likely to be tolerated. In summary, the available evidence is currently insufficient to determine the role of this variant in disease. Therefore, it has been classified as a Variant of Uncertain Significance.